The following is an entry in ClinVar:

NM_005560.6(LAMA5):c.6101A>G (p.Asp2034Gly)

Gene: LAMA5 (laminin subunit alpha 5; minus strand). Cytogenetic location: 20q13.33.
Variant type: single nucleotide variant.
Coding change: c.6101A>G on transcript NM_005560.6 (MANE Select); coding-DNA position 6101, A replaced by G.
Protein change: p.Asp2034Gly; replaces aspartic acid 2034 with glycine.
Molecular consequence: missense variant.
Genome position (GRCh38, 1-based): chr20:62,322,722, T>C on the plus strand (A>G on the coding strand, the complement: LAMA5 is on the minus strand). VCF-style: chr20-62322722-T-C. GRCh37 (hg19) VCF-style: chr20-60897778-T-C.
Other names: c.6101A>G (NM_005560.3); short protein forms D2034G.
Identifiers: ClinVar variation 599489 (VCV000599489.10), dbSNP rs773956500, ClinGen allele CA9941888.

ClinVar aggregate classification (germline): Uncertain significance. Review status: criteria provided, multiple submitters, no conflicts (2 of 4 stars). 6 submissions from 6 submitters: Uncertain significance (5). 1 of the submissions does not count toward it. Last evaluated 2026-06-16.

Conditions:
LAMA5-related disorder. Also called: LAMA5-related condition; LAMA5-Related Disorders.
Nephrotic syndrome, IIa 26. Also called: Nephrotic syndrome, type 26. Identifiers: MedGen C5774221, MONDO:0031061, OMIM 620049.
Inborn genetic diseases. Identifiers: MedGen C0950123, MeSH D030342.
Short stature. Identifiers: MedGen C0349588, HP:0004322.

Allele frequency attached by ClinVar (database versions not stated): TOPMed 0.00001; gnomAD 0.00002 and 0.00003; gnomAD exomes 0.00004; ExAC 0.00019.
gnomAD v4.1: 69 of 1,516,356 alleles (0.0046%); highest among the groups gnomAD compares: Middle Eastern, 0.12%; no homozygotes.

Submissions (6):

PreventionGenetics, part of Exact Sciences
Classification: Uncertain significance for LAMA5-related condition. Last evaluated: 2026-06-16. Review status: criteria provided, single submitter. Criteria: ACMG Guidelines, 2015. Collection method: clinical testing. Allele origin: germline.
Comment: The LAMA5 c.6101A>G variant is predicted to result in the amino acid substitution p.Asp2034Gly. To our knowledge, this variant has not been reported in the literature. This variant is reported in 0.0088% of alleles in individuals of European (Non-Finnish) descent in gnomAD. At this time, the clinical significance of this variant is uncertain due to the absence of conclusive functional and genetic evidence.

Labcorp Genetics (formerly Invitae), Labcorp
Classification: Uncertain significance. Last evaluated: 2024-11-05. Review status: criteria provided, single submitter. Criteria: Invitae Variant Classification Sherloc (09022015). Collection method: clinical testing. Allele origin: germline.
Comment: This sequence change replaces aspartic acid, which is acidic and polar, with glycine, which is neutral and non-polar, at codon 2034 of the LAMA5 protein (p.Asp2034Gly). This variant is present in population databases (rs773956500, gnomAD 0.009%). This missense change has been observed in individual(s) with nephrotic syndrome (internal data). ClinVar contains an entry for this variant (Variation ID: 599489). An algorithm developed to predict the effect of missense changes on protein structure and function (PolyPhen-2) suggests that this variant is likely to be tolerated. In summary, the available evidence is currently insufficient to determine the role of this variant in disease. Therefore, it has been classified as a Variant of Uncertain Significance.

Blueprint Genetics
Classification: Uncertain significance. Last evaluated: 2024-10-07. Review status: criteria provided, single submitter. Criteria: ACMG Guidelines, 2015. Collection method: clinical testing. Allele origin: germline.

Genomic Medicine Center of Excellence, King Faisal Specialist Hospital and Research Centre
Classification: Uncertain significance for Nephrotic syndrome, IIa 26. Last evaluated: 2024-03-29. Review status: criteria provided, single submitter. Criteria: ACMG Guidelines, 2015. Collection method: clinical testing. Allele origin: germline.

Ambry Genetics
Classification: Uncertain significance for Inborn genetic diseases. Last evaluated: 2021-08-30. Review status: criteria provided, single submitter. Criteria: Ambry Variant Classification Scheme 2023. Collection method: clinical testing. Allele origin: germline.

Institute of Human Genetics, FAU Erlangen, Friedrich-Alexander-Universität Erlangen-Nürnberg
Classification: Likely pathogenic for Short stature. Last evaluated: 2001-11-18. Review status: no assertion criteria provided. Collection method: case-control. Allele origin: maternal. Affected: yes. Not counted in ClinVar's aggregate classification.